The following is an entry in ClinVar:

ClinVar aggregate classification (germline): Uncertain significance. Review status: criteria provided, multiple submitters, no conflicts (2 of 4 stars). 2 submissions from 2 submitters: Uncertain significance (2). Last evaluated 2025-06-03.

Conditions:
Early-infantile DEE. Also called: Early infantile epileptic encephalopathy; Early infantile epileptic encephalopathy with suppression bursts; Ohtahara syndrome. Identifiers: Orphanet 1934, MedGen C0393706, MONDO:0800491.

Allele frequency attached by ClinVar (database versions not stated): gnomAD 0.00001; gnomAD exomes 0.00001 and 0.00002; ExAC 0.00002; TOPMed 0.00002.
gnomAD v4.1: 10 of 1,610,544 alleles (0.00062%); highest among the groups gnomAD compares: Non-Finnish European, 0.00085%; no homozygotes.

Submissions (2):

Labcorp Genetics (formerly Invitae), Labcorp
Classification: Uncertain significance for Early-infantile DEE. Last evaluated: 2025-06-03. Review status: criteria provided, single submitter. Criteria: Invitae Variant Classification Sherloc (09022015). Collection method: clinical testing. Allele origin: germline.
Comment: This sequence change replaces glutamic acid, which is acidic and polar, with valine, which is neutral and non-polar, at codon 518 of the ARHGEF15 protein (p.Glu518Val). This variant is present in population databases (rs754271609, gnomAD 0.005%). This variant has not been reported in the literature in individuals affected with ARHGEF15-related conditions. ClinVar contains an entry for this variant (Variation ID: 1471656). An algorithm developed to predict the effect of missense changes on protein structure and function (PolyPhen-2) suggests that this variant is likely to be disruptive. In summary, the available evidence is currently insufficient to determine the role of this variant in disease. Therefore, it has been classified as a Variant of Uncertain Significance.

Ambry Genetics
Classification: Uncertain significance. Last evaluated: 2024-12-09. Review status: criteria provided, single submitter. Criteria: Ambry Variant Classification Scheme 2023. Collection method: clinical testing. Allele origin: germline.

NM_173728.4(ARHGEF15):c.1553A>T (p.Glu518Val)

Gene: ARHGEF15 (Rho guanine nucleotide exchange factor 15; plus strand). Cytogenetic location: 17p13.1.
Variant type: single nucleotide variant.
Coding change: c.1553A>T on transcript NM_173728.4 (MANE Select); coding-DNA position 1553, A replaced by T.
Protein change: p.Glu518Val; replaces glutamic acid 518 with valine.
Molecular consequence: missense variant.
Genome position (GRCh38, 1-based): chr17:8,315,886, A>T. VCF-style: chr17-8315886-A-T. GRCh37 (hg19) VCF-style: chr17-8219204-A-T.
Other names: c.1553A>T (NM_173728.3); c.1553A>T, p.Glu518Val (NM_025014.2); short protein forms E518V.
Identifiers: ClinVar variation 1471656 (VCV001471656.10), dbSNP rs754271609, ClinGen allele CA8375201.